The following is an entry in ClinVar:

ClinVar aggregate classification (germline): Conflicting classifications of pathogenicity. Review status: criteria provided, conflicting classifications (1 of 4 stars). 2 submissions from 2 submitters: Likely pathogenic (1); Uncertain significance (1). Last evaluated 2026-09-08.

Conditions:
Fabry disease. Also called: Fabry's disease; ALPHA-GALACTOSIDASE A DEFICIENCY; ANDERSON-FABRY DISEASE; CERAMIDE TRIHEXOSIDASE DEFICIENCY; GLA DEFICIENCY; HEREDITARY DYSTOPIC LIPIDOSIS. Identifiers: Orphanet 324, MedGen C0002986, MONDO:0010526, OMIM 301500, HP:0001071. Disease mechanism: Fabry disease is due to inactivating mutations in the X-linked GLA gene resulting in deficiency of the enzyme Alpha Galactosidase-A., loss of function.

Submissions (2):

Genomenon, Inc
Classification: Likely pathogenic for Fabry disease. Last evaluated: 2026-09-08. Review status: criteria provided, single submitter. Criteria: Genomenon Sequence Variant Interpretation Standards - Updated. Collection method: curation. Allele origin: germline. Affected: yes.
Comment: GLA p.Cys174Trp (c.522T>G) is a missense variant that changes the amino acid at codon 174 from Cysteine to Tryptophan. This variant has been observed in at least one proband with clinical features consistent with Fabry disease (PMID:41584929). Functional or patient cell studies have been reported (PMID:26044846). The presence of pathogenic/likely pathogenic missense variant(s) at the same amino acid position indicates that this residue is likely important for protein function. It is absent or not present at a significant frequency in gnomAD. In silico models predict that this variant is possibly or probably damaging. In conclusion, we classify GLA p.Cys174Trp (c.522T>G) as a likely pathogenic variant.

Labcorp Genetics (formerly Invitae), Labcorp
Classification: Uncertain significance for Fabry disease. Last evaluated: 2026-01-05. Review status: criteria provided, single submitter. Criteria: Invitae Variant Classification Sherloc (09022015). Collection method: clinical testing. Allele origin: germline.
Comment: This sequence change replaces cysteine, which is neutral and slightly polar, with tryptophan, which is neutral and slightly polar, at codon 174 of the GLA protein (p.Cys174Trp). This variant is not present in population databases (gnomAD no frequency). This variant has not been reported in the literature in individuals affected with GLA-related conditions. Invitae Evidence Modeling of protein sequence and biophysical properties (such as structural, functional, and spatial information, amino acid conservation, physicochemical variation, residue mobility, and thermodynamic stability) indicates that this missense variant is not expected to disrupt GLA protein function with a negative predictive value of 80%. This variant disrupts the p.Cys174 amino acid residue in GLA. Other variant(s) that disrupt this residue have been determined to be pathogenic (PMID: 20367968, 26044846, 27657681; internal data). This suggests that this residue is clinically significant, and that variants that disrupt this residue are likely to be disease-causing. In summary, the available evidence is currently insufficient to determine the role of this variant in disease. Therefore, it has been classified as a Variant of Uncertain Significance.

Literature cited by the submitters: PubMed 41584929 (cited by Genomenon, Inc); PubMed 26044846 (cited by Genomenon, Inc and Labcorp Genetics (formerly Invitae), Labcorp); PubMed 20367968 (cited by Labcorp Genetics (formerly Invitae), Labcorp); PubMed 27657681 (cited by Labcorp Genetics (formerly Invitae), Labcorp).

NM_000169.3(GLA):c.522T>G (p.Cys174Trp)

Genes: GLA (galactosidase alpha; minus strand), RPL36A-HNRNPH2 (RPL36A-HNRNPH2 readthrough; plus strand). Cytogenetic location: Xq22.1.
Variant type: single nucleotide variant.
Coding change: c.522T>G on transcript NM_000169.3 (MANE Select); coding-DNA position 522, T replaced by G.
Protein change: p.Cys174Trp; replaces cysteine 174 with tryptophan.
Molecular consequence: missense variant. On other transcripts: non-coding transcript variant (3), intron variant (2).
Genome position (GRCh38, 1-based): chrX:101,401,657, A>C on the plus strand (T>G on the coding strand, the complement: GLA is on the minus strand). VCF-style: chrX-101401657-A-C. GRCh37 (hg19) VCF-style: chrX-100656645-A-C.
Other names: c.645T>G, p.Cys215Trp (NM_001406747.1, NM_001406749.1); c.522T>G, p.Cys174Trp (NM_001406748.1); c.300+6200A>C (NM_001199973.2); c.177+9835A>C (NM_001199974.2); short protein forms C174W, C215W.
Identifiers: ClinVar variation 4709628 (VCV004709628.2).